The following is an entry in ClinVar:

NM_174916.3(UBR1):c.593T>C (p.Ile198Thr)

Gene: UBR1 (ubiquitin protein ligase E3 component n-recognin 1; minus strand). Cytogenetic location: 15q15.2.
Variant type: single nucleotide variant.
Coding change: c.593T>C on transcript NM_174916.3 (MANE Select); coding-DNA position 593, T replaced by C.
Protein change: p.Ile198Thr; replaces isoleucine 198 with threonine.
Molecular consequence: missense variant.
Genome position (GRCh38, 1-based): chr15:43,070,861, A>G on the plus strand (T>C on the coding strand, the complement: UBR1 is on the minus strand). VCF-style: chr15-43070861-A-G. GRCh37 (hg19) VCF-style: chr15-43363059-A-G.
Other names: short protein forms I198T.
Identifiers: ClinVar variation 1805156 (VCV001805156.1), dbSNP rs2543026094, ClinGen allele CA392081912.
Genomic context (GRCh38, chr15:43,070,861, plus strand): 5'-TGGAGTTCAGGAGGCAGTTCTTTTTCCTCTTCCCATATAGTCATTTCTACGACATATTTT[A>G]TCACTGAAGGAAATATTTTCCTGGCTTGGACAATTACCTCTTCATTCAACGGACAGCGTG-3'
Protein context (NP_777576.1, residues 188-208): VQARKIFPSV[Ile198Thr]KYVVEMTIWE

ClinVar aggregate classification (germline): Uncertain significance (1 of 4 stars; one submission).

Conditions:
Johanson-Blizzard syndrome (JBS). Also called: Nasal alar hypoplasia, hypothyroidism, pancreatic achylia and congenital deafness. Identifiers: Orphanet 2315, MedGen C0175692, MONDO:0009479, OMIM 243800.

Allele frequency attached by ClinVar (database versions not stated): gnomAD exomes below 0.00001.
gnomAD v4.1: 1 of 1,613,852 alleles (0.000062%); highest among the groups gnomAD compares: Non-Finnish European, 0.000085%; no homozygotes.

Submission:

Victorian Clinical Genetics Services, Murdoch Childrens Research Institute
Classification: Uncertain significance for Johanson-Blizzard syndrome. Last evaluated: 2022-02-02. Review status: criteria provided, single submitter. Criteria: ACMG Guidelines, 2015. Collection method: clinical testing. Allele origin: germline. Inheritance: Autosomal recessive inheritance. Affected: yes.
Comment: Based on the classification scheme VCGS_Germline_v1.3.4, this variant is classified as VUS-3B. Following criteria are met: 0102 - Loss of function is a known mechanism of disease in this gene and is associated with Johanson-Blizzard syndrome (MIM#243800). (I) 0106 - This gene is associated with autosomal recessive disease. (I) 0200 - Variant is predicted to result in a missense amino acid change from isoleucine to threonine. (I) 0251 - This variant is heterozygous. (I) 0301 - Variant is absent from gnomAD (both v2 and v3). (SP) 0309 - Two alternative amino acid changes at the same position have been observed in gnomAD (v3) (highest allele frequence: 2 heterozygotes, 0 homozygote). (I) 0502 - Missense variant with conflicting in silico predictions and uninformative conservation. (I) 0604 - Variant is not located in an established domain, motif, hotspot or informative constraint region. (I) 0705 - No comparable missense variants have previous evidence for pathogenicity. (I) 0807 - This variant has no previous evidence of pathogenicity. (I) 0905 - No published segregation evidence has been identified for this variant. (I) 1007 - No published functional evidence has been identified for this variant. (I) 1208 - Inheritance information for this variant is not currently available in this individual. (I) Legend: (SP) - Supporting pathogenic, (I) - Information, (SB) - Supporting benign